The following is an entry in ClinVar:

ClinVar aggregate classification (germline): Pathogenic (1 of 4 stars; one submission).

Conditions:
Familial cancer of breast. Also called: BREAST CANCER, FAMILIAL; Hereditary breast cancer; hereditary breast carcinoma. Identifiers: Orphanet 227535, MedGen C0346153, MONDO:0016419, OMIM 114480. Disease mechanism: loss of function.

Submission:

Myriad Genetics, Inc.
Classification: Pathogenic for Familial cancer of breast. Last evaluated: 2024-03-05. Review status: criteria provided, single submitter. Criteria: Myriad Autosomal Dominant, Autosomal Recessive and X-Linked Classification Criteria (2023). Collection method: clinical testing. Allele origin: unknown.
Comment: This variant is considered pathogenic. This variant creates a frameshift predicted to result in premature protein truncation.

NM_000051.4(ATM):c.3230_3231del (p.Phe1077fs)

Gene: ATM (ATM serine/threonine kinase; plus strand). Cytogenetic location: 11q22.3.
Variant type: Deletion.
Coding change: c.3230_3231del on transcript NM_000051.4 (MANE Select); coding-DNA positions 3230 to 3231, 2 bases deleted (TT; older notation c.3230_3231delTT).
Protein change: p.Phe1077fs; shifts the reading frame from phenylalanine 1077.
Molecular consequence: frameshift variant.
Genome position (GRCh38, 1-based): chr11:108,272,798-108,272,799, TT deleted; deleting any 2 consecutive bases within chr11:108,272,797-108,272,799 gives the same sequence; the c. name uses the placement nearest the transcript's 3' end. VCF-style (leftmost placement, unchanged base first): chr11-108272796-ATT-A. GRCh37 (hg19) VCF-style: chr11-108143523-ATT-A.
Other names: c.3230_3231del, p.Phe1077fs (NM_001351834.2); short protein forms F1077fs.
Identifiers: ClinVar variation 3148718 (VCV003148718.1), dbSNP rs1057517097, ClinGen allele CA2825001824.
Genomic context (GRCh38, chr11:108,272,796, plus strand): 5'-AAAATGGGCCATTCTTAATGTAATGGGAAAAGACTTTCCTGTAAATGAAGTATTTACACA[ATT>A]TCTTGCTGACAATCATCACCAAGTTCGCATGTTGGCTGCAGAGTCAATCAATAGGTAATG-3'